The following is an entry in ClinVar:

NM_002691.4(POLD1):c.1360C>T (p.Arg454Cys)

Gene: POLD1 (DNA polymerase delta 1, catalytic subunit; plus strand). Cytogenetic location: 19q13.33.
Variant type: single nucleotide variant.
Coding change: c.1360C>T on transcript NM_002691.4 (MANE Select); coding-DNA position 1360, C replaced by T.
Protein change: p.Arg454Cys; replaces arginine 454 with cysteine.
Molecular consequence: missense variant. On other transcripts: non-coding transcript variant (1).
Genome position (GRCh38, 1-based): chr19:50,406,299, C>T. VCF-style: chr19-50406299-C-T. GRCh37 (hg19) VCF-style: chr19-50909556-C-T.
Other names: c.1360C>T, p.Arg454Cys (NM_001256849.1, NM_001308632.1); short protein forms R454C.
Identifiers: ClinVar variation 469191 (VCV000469191.16), dbSNP rs906743894, ClinGen allele CA309601756.
Genomic context (GRCh38, chr19:50,406,299, plus strand): 5'-TCTTCATTCCAGTCCAAGCAGACGGGCCGGCGGGACACCAAGGTTGTCAGCATGGTGGGC[C>T]GCGTGCAGATGGACATGCTGCAGGTATGGGCGGGAGGTGGGGTGTGTCCCTGTCCTTGGA-3'
Protein context (NP_002682.2, residues 444-464): RDTKVVSMVG[Arg454Cys]VQMDMLQVLL

ClinVar aggregate classification (germline): Uncertain significance. Review status: criteria provided, multiple submitters, no conflicts (2 of 4 stars). 4 submissions from 4 submitters: Uncertain significance (4). Last evaluated 2026-01-19.

Conditions:
POLD1-related polyposis and colorectal cancer syndrome (CRCS10). Also called: Colorectal cancer 10; COLORECTAL CANCER, SUSCEPTIBILITY TO, ON CHROMOSOME 19q; Colorectal cancer, susceptibility to, 10. Identifiers: Orphanet 220460, MedGen C2675481, MONDO:0012953, OMIM 612591.
Hereditary cancer-predisposing syndrome. Also called: Neoplastic Syndromes, Hereditary; Hereditary neoplastic syndrome; Tumor predisposition; Hereditary Cancer Syndrome. Identifiers: Orphanet 140162, MedGen C0027672, MeSH D009386, MONDO:0015356.

Allele frequency attached by ClinVar (database versions not stated): gnomAD exomes below 0.00001; TOPMed below 0.00001.
gnomAD v4.1: 4 of 1,613,976 alleles (0.00025%); highest among the groups gnomAD compares: Middle Eastern, 0.016%; no homozygotes.

Submissions (4):

Labcorp Genetics (formerly Invitae), Labcorp
Classification: Uncertain significance for POLD1-related polyposis and colorectal cancer syndrome. Last evaluated: 2026-01-19. Review status: criteria provided, single submitter. Criteria: Invitae Variant Classification Sherloc (09022015). Collection method: clinical testing. Allele origin: germline.
Comment: This sequence change replaces arginine, which is basic and polar, with cysteine, which is neutral and slightly polar, at codon 454 of the POLD1 protein (p.Arg454Cys). This variant is not present in population databases (gnomAD no frequency). This variant has not been reported in the literature in individuals affected with POLD1-related conditions. ClinVar contains an entry for this variant (Variation ID: 469191). Invitae Evidence Modeling of protein sequence and biophysical properties (such as structural, functional, and spatial information, amino acid conservation, physicochemical variation, residue mobility, and thermodynamic stability) indicates that this missense variant is expected to disrupt POLD1 protein function with a positive predictive value of 80%. In summary, the available evidence is currently insufficient to determine the role of this variant in disease. Therefore, it has been classified as a Variant of Uncertain Significance.

Ambry Genetics
Classification: Uncertain significance for Hereditary cancer-predisposing syndrome. Last evaluated: 2025-03-29. Review status: criteria provided, single submitter. Criteria: Ambry Variant Classification Scheme 2023. Collection method: clinical testing. Allele origin: germline.
Comment: The p.R454C variant (also known as c.1360C>T), located in coding exon 10 of the POLD1 gene, results from a C to T substitution at nucleotide position 1360. The arginine at codon 454 is replaced by cysteine, an amino acid with highly dissimilar properties. This amino acid position is highly conserved in available vertebrate species. In addition, this alteration is predicted to be deleterious by in silico analysis. Since supporting evidence is limited at this time, the clinical significance of this alteration remains unclear.

Baylor Genetics
Classification: Uncertain significance for POLD1-related polyposis and colorectal cancer syndrome. Last evaluated: 2024-01-22. Review status: criteria provided, single submitter. Criteria: ACMG Guidelines, 2015. Collection method: clinical testing. Allele origin: unknown.

Quest Diagnostics Nichols Institute San Juan Capistrano
Classification: Uncertain significance. Last evaluated: 2018-06-05. Review status: criteria provided, single submitter. Criteria: Quest Diagnostics criteria. Collection method: clinical testing. Allele origin: germline.